The following is an entry in ClinVar:

NM_000093.5(COL5A1):c.2983C>G (p.Pro995Ala)

Gene: COL5A1 (collagen type V alpha 1 chain; plus strand). Cytogenetic location: 9q34.3.
Variant type: single nucleotide variant.
Coding change: c.2983C>G on transcript NM_000093.5 (MANE Select); coding-DNA position 2983, C replaced by G.
Protein change: p.Pro995Ala; replaces proline 995 with alanine.
Molecular consequence: missense variant.
Genome position (GRCh38, 1-based): chr9:134,801,984, C>G. VCF-style: chr9-134801984-C-G. GRCh37 (hg19) VCF-style: chr9-137693830-C-G.
Other names: c.2983C>G, p.Pro995Ala (NM_001278074.1); short protein forms P995A.
Identifiers: ClinVar variation 373323 (VCV000373323.13), dbSNP rs187022757, ClinGen allele CA5319707.

ClinVar aggregate classification (germline): Conflicting classifications of pathogenicity. Review status: criteria provided, conflicting classifications (1 of 4 stars). 4 submissions from 3 submitters: Uncertain significance (2); Likely benign (1). 1 of the submissions does not count toward it. Last evaluated 2025-12-09.

Conditions:
Ehlers-Danlos syndrome, classic type, 1 (EDSCL1). Also called: EHLERS-DANLOS SYNDROME, GRAVIS TYPE; EHLERS-DANLOS SYNDROME, SEVERE CLASSIC TYPE; Ehlers-Danlos Syndrome, Classic Type, COL5A1-Related; EDS I; Ehlers-Danlos syndrome, type 1. Identifiers: MedGen C0268335, MONDO:0019567, OMIM 130000.

gnomAD v4.1: 4 of 1,613,422 alleles (0.00025%); highest among the groups gnomAD compares: South Asian, 0.0011%; no homozygotes.

Submissions (4):

Women's Health and Genetics/Laboratory Corporation of America, LabCorp
Classification: Uncertain significance. Last evaluated: 2025-12-09. Review status: criteria provided, single submitter. Criteria: LabCorp Variant Classification Summary - May 2015. Collection method: clinical testing. Allele origin: germline.
Comment: Variant summary: COL5A1 c.2983C>G (p.Pro995Ala) results in a non-conservative amino acid change in the encoded protein sequence. Algorithms developed to predict the effect of missense changes on protein structure and function are either unavailable or do not agree on the potential impact of this missense change. The variant allele was found at a frequency of 1.2e-05 in 250820 control chromosomes. The available data on variant occurrences in the general population are insufficient to allow any conclusion about variant significance. To our knowledge, no occurrence of c.2983C>G in individuals affected with COL5A1-related conditions and no experimental evidence demonstrating its impact on protein function have been reported. ClinVar contains an entry for this variant (Variation ID: 373323). Based on the evidence outlined above, the variant was classified as uncertain significance.

Labcorp Genetics (formerly Invitae), Labcorp
Classification: Likely benign for Ehlers-Danlos syndrome, classic type, 1. Last evaluated: 2024-01-18. Review status: criteria provided, single submitter. Criteria: Invitae Variant Classification Sherloc (09022015). Collection method: clinical testing. Allele origin: germline.

GeneDx
Classification: Uncertain significance. Last evaluated: 2020-01-29. Review status: criteria provided, single submitter. Criteria: GeneDx Variant Classification Process June 2021. Collection method: clinical testing. Allele origin: germline. Affected: yes.
Comment: Has not been previously published as pathogenic or benign to our knowledge; Reported in ClinVar as a variant of uncertain significance (ClinVar Variant ID# 373323; Landrum et al., 2016); Not observed at a significant frequency in large population cohorts (Lek et al., 2016); In silico analysis, which includes protein predictors and evolutionary conservation, supports a deleterious effect; Occurs in the triple helical domain at the X position in the canonical Gly-X-Y repeat; although this variant may have an effect on normal protein folding and function, missense substitution at the X position is not a common mechanism of disease (Symoens et al., 2012; Stenson et al., 2014)

GeneDx
Classification: Uncertain significance. Last evaluated: 2016-11-17. Review status: flagged submission. Criteria: GeneDx Variant Classification (06012015). Collection method: clinical testing. Allele origin: germline. Affected: yes. Not counted in ClinVar's aggregate classification.
Comment: The P995A variant in the COL5A1 gene has not been reported previously as a pathogenic variant, nor as a benign variant, to our knowledge. The P995A variant was not observed in approximately 6500 individuals of European and African American ancestry in the NHLBI Exome Sequencing Project, indicating it is not a common benign variant in these populations. This substitution occurs at a position that is conserved across species, and in silico analysis predicts this variant is probably damaging to the protein structure/function. The P995A variant is a semi-conservative amino acid substitution, which occurs at a non-Glycine residue within the collagen triple-helical region containing Gly-X-Y repeats. Substitutions of Glycine residues in these Gly-X-Y motifs within the triple helical regions of the COL5A1 protein represent the vast majority of pathogenic missense variants in the COL5A1 gene associated with Ehlers-Danlos syndrome (Stenson et al., 2014). We therefore interpret P995A as a variant of uncertain significance.
ClinVar note: Reason: This record appears to be redundant with a more recent record from the same submitter.
ClinVar note: Notes: SCV000491908 appears to be redundant with SCV001771313.